The following is an entry in ClinVar:

NM_001267550.2(TTN):c.48757_48758dup (p.Gln16253fs)

Genes: TTN (titin; minus strand), TTN-AS1 (TTN antisense RNA 1; plus strand), LOC126806426 (BRD4-independent group 4 enhancer GRCh37_chr2:179478848-179480047; plus strand). Cytogenetic location: 2q31.2.
Variant type: Microsatellite.
Coding change: c.48757_48758dup on transcript NM_001267550.2 (MANE Select); coding-DNA positions 48757 to 48758, 2 bases duplicated (CA; older notation c.48757_48758dupCA).
Protein change: p.Gln16253fs; shifts the reading frame from glutamine 16253.
Molecular consequence: frameshift variant.
Genome position (GRCh38, 1-based): chr2:178,614,849-178,614,850, TG duplicated on the plus strand (CA on the coding strand, the reverse complement: TTN is on the minus strand); duplicating any 2 consecutive bases within chr2:178,614,849-178,614,855 gives the same sequence; the c. name uses the placement nearest the transcript's 3' end. VCF-style (leftmost placement, unchanged base first): chr2-178614848-T-TTG. GRCh37 (hg19) VCF-style: chr2-179479575-T-TTG.
Other names: c.43834_43835dup, p.Gln14612fs (NM_001256850.1); c.21562_21563dup, p.Gln7188fs (NM_003319.4); c.41053_41054dup, p.Gln13685fs (NM_133378.4); c.21937_21938dup, p.Gln7313fs (NM_133432.3); c.22138_22139dup, p.Gln7380fs (NM_133437.4); short protein forms Q13685fs, Q14612fs, Q16253fs, Q7188fs, Q7313fs, Q7380fs.
Identifiers: ClinVar variation 3754256 (VCV003754256.2).

ClinVar aggregate classification (germline): Likely pathogenic (1 of 4 stars; one submission).

Conditions:
Autosomal recessive limb-girdle muscular dystrophy type 2J (LGMDR10). Also called: Limb-girdle muscular dystrophy, type 2J; MUSCULAR DYSTROPHY, LIMB-GIRDLE, AUTOSOMAL RECESSIVE 10. Identifiers: Orphanet 140922, MedGen C1837342, MONDO:0012127, OMIM 608807.
Dilated cardiomyopathy 1G (CMD1G). Identifiers: Orphanet 154, MedGen C1858763, MONDO:0011400, OMIM 604145.

Submission:

Labcorp Genetics (formerly Invitae), Labcorp
Classification: Likely pathogenic for Dilated cardiomyopathy 1G; Autosomal recessive limb-girdle muscular dystrophy type 2J. Last evaluated: 2024-05-04. Review status: criteria provided, single submitter. Criteria: Invitae Variant Classification Sherloc (09022015). Collection method: clinical testing. Allele origin: germline.
Comment: This sequence change creates a premature translational stop signal (p.Gln16253Hisfs*11) in the TTN gene. While this is not anticipated to result in nonsense mediated decay, it is expected to create a truncated TTN protein. This variant is not present in population databases (gnomAD no frequency). This variant has not been reported in the literature in individuals affected with TTN-related conditions. This variant is located in the A band of TTN (PMID: 25589632). Truncating variants in this region are significantly overrepresented in patients affected with dilated cardiomyopathy (PMID: 25589632). Truncating variants in this region have also been reported in individuals affected with autosomal recessive centronuclear myopathy (PMID: 23975875). In summary, the currently available evidence indicates that the variant is pathogenic, but additional data are needed to prove that conclusively. Therefore, this variant has been classified as Likely Pathogenic.

Literature cited by the submitters: PubMed 25589632; PubMed 23975875.